The following is an entry in ClinVar:

ClinVar aggregate classification (germline): Uncertain significance (1 of 4 stars; one submission).

gnomAD v4.1: 1 of 1,612,920 alleles (0.000062%); highest among the groups gnomAD compares: Non-Finnish European, 0.000085%; no homozygotes.

Submission:

CeGaT Center for Human Genetics Tuebingen
Classification: Uncertain significance. Last evaluated: 2023-10-01. Review status: criteria provided, single submitter. Criteria: CeGaT Center For Human Genetics Tuebingen Variant Classification Criteria Version 2. Collection method: clinical testing. Allele origin: germline. Affected: yes. Observed: 1 variant allele.
Comment: NOTCH1: PM2

NM_017617.5(NOTCH1):c.2561C>T (p.Ser854Phe)

Gene: NOTCH1 (notch receptor 1; minus strand). Cytogenetic location: 9q34.3.
Variant type: single nucleotide variant.
Coding change: c.2561C>T on transcript NM_017617.5 (MANE Select); coding-DNA position 2561, C replaced by T.
Protein change: p.Ser854Phe; replaces serine 854 with phenylalanine.
Molecular consequence: missense variant.
Genome position (GRCh38, 1-based): chr9:136,511,178, G>A on the plus strand (C>T on the coding strand, the complement: NOTCH1 is on the minus strand). VCF-style: chr9-136511178-G-A. GRCh37 (hg19) VCF-style: chr9-139405630-G-A.
Other names: short protein forms S854F.
Identifiers: ClinVar variation 2659750 (VCV002659750.24), dbSNP rs1843175525, ClinGen allele CA375555241.
Genomic context (GRCh38, chr9:136,511,178, plus strand): 5'-ATCCCAGCCCTCACCGGGCCCTGGCCAGCCTCACCTTGCCAGCCCGTGGGGCAGACACAG[G>A]AGAAGCTCTCATAGTCCTCGGATTGCCTGCACTCCCCGCCGTTTCTGCAGGGGCTGGGGG-3'
Protein context (NP_060087.3, residues 844-864): CRQSEDYESF[Ser854Phe]CVCPTGWQGQ